The following is an entry in ClinVar:

ClinVar aggregate classification (germline): Uncertain significance (1 of 4 stars; one submission).

Conditions:
Spermatogenic failure 18. Identifiers: MedGen C4539783, MONDO:0054615, OMIM 617576.
Ciliary dyskinesia, primary, 37 (CILD37). Also called: CILIARY DYSKINESIA, PRIMARY, 37, WITH OR WITHOUT SITUS INVERSUS. Identifiers: MedGen C4539798, MONDO:0033204, OMIM 617577.

Allele frequency attached by ClinVar (database versions not stated): gnomAD 0.00004 and 0.00007; ESP Exome Variant Server 0.00008; TOPMed 0.00008; ExAC 0.00012; gnomAD exomes 0.00013; 1000 Genomes Project 0.00040; 1000 Genomes Project 30x 0.00047.
gnomAD v4.1: 123 of 1,612,952 alleles (0.0076%); highest among the groups gnomAD compares: East Asian, 0.087%; no homozygotes.

Submission:

Labcorp Genetics (formerly Invitae), Labcorp
Classification: Uncertain significance for Ciliary dyskinesia, primary, 37; Spermatogenic failure 18. Last evaluated: 2024-04-16. Review status: criteria provided, single submitter. Criteria: Invitae Variant Classification Sherloc (09022015). Collection method: clinical testing. Allele origin: germline.
Comment: This sequence change replaces glycine, which is neutral and non-polar, with serine, which is neutral and polar, at codon 2320 of the DNAH1 protein (p.Gly2320Ser). This variant is present in population databases (rs199780515, gnomAD 0.1%). This variant has not been reported in the literature in individuals affected with DNAH1-related conditions. ClinVar contains an entry for this variant (Variation ID: 849283). Advanced modeling of protein sequence and biophysical properties (such as structural, functional, and spatial information, amino acid conservation, physicochemical variation, residue mobility, and thermodynamic stability) performed at Invitae indicates that this missense variant is not expected to disrupt DNAH1 protein function with a negative predictive value of 80%. In summary, the available evidence is currently insufficient to determine the role of this variant in disease. Therefore, it has been classified as a Variant of Uncertain Significance.

NM_015512.5(DNAH1):c.6958G>A (p.Gly2320Ser)

Gene: DNAH1 (dynein axonemal heavy chain 1; plus strand). Cytogenetic location: 3p21.1.
Variant type: single nucleotide variant.
Coding change: c.6958G>A on transcript NM_015512.5 (MANE Select); coding-DNA position 6958, G replaced by A.
Protein change: p.Gly2320Ser; replaces glycine 2320 with serine.
Molecular consequence: missense variant.
Genome position (GRCh38, 1-based): chr3:52,373,026, G>A. VCF-style: chr3-52373026-G-A. GRCh37 (hg19) VCF-style: chr3-52407042-G-A.
Other names: short protein forms G2320S.
Identifiers: ClinVar variation 849283 (VCV000849283.5), dbSNP rs199780515, ClinGen allele CA2434695.